The following is an entry in ClinVar:

ClinVar aggregate classification (germline): Likely benign. Review status: criteria provided, multiple submitters, no conflicts (2 of 4 stars). 3 submissions from 3 submitters: Likely benign (2). 1 of the submissions does not count toward it. Last evaluated 2026-05-04.

Conditions:
ZFHX2-related disorder. Also called: ZFHX2-related condition.

Allele frequency attached by ClinVar (database versions not stated): 1000 Genomes Project 0.00040; TOPMed 0.00057; gnomAD exomes 0.00090; 1000 Genomes Project 30x 0.00094; ExAC 0.00098; gnomAD 0.00099.
gnomAD v4.1: 1,372 of 1,536,092 alleles (0.089%); highest among the groups gnomAD compares: Non-Finnish European, 0.096%; 4 homozygotes.

Submissions (3):

Women's Health and Genetics/Laboratory Corporation of America, LabCorp
Classification: Likely benign. Last evaluated: 2026-05-04. Review status: criteria provided, single submitter. Criteria: LabCorp Variant Classification Summary - May 2015. Collection method: clinical testing. Allele origin: germline.
Comment: Variant summary: ZFHX2 c.385T>C (p.Ser129Pro) results in a non-conservative amino acid change in the encoded protein sequence. Algorithms developed to predict the effect of missense changes on protein structure and function are either unavailable or do not agree on the potential impact of this missense change. The variant allele was found at a frequency of 0.00079 in 137160 control chromosomes, predominantly at a frequency of 0.0012 within the Non-Finnish European subpopulation in the gnomAD database. The observed variant frequency within Non-Finnish European control individuals in the gnomAD database exceeds the estimated maximal expected allele frequency for disease-causing variants in ZFHX2. To our knowledge, no occurrence of c.385T>C in individuals affected with ZFHX2-related conditions and no experimental evidence demonstrating its impact on protein function have been reported. ClinVar contains an entry for this variant (Variation ID: 3024850). Based on the evidence outlined above, the variant was classified as likely benign.

CeGaT Center for Human Genetics Tuebingen
Classification: Likely benign. Last evaluated: 2024-01-01. Review status: criteria provided, single submitter. Criteria: CeGaT Center For Human Genetics Tuebingen Variant Classification Criteria Version 2. Collection method: clinical testing. Allele origin: germline. Affected: yes. Observed: 1 variant allele.
Comment: ZFHX2: BP4, BS1

PreventionGenetics, part of Exact Sciences
Classification: Benign for ZFHX2-related condition. Last evaluated: 2019-11-26. Review status: no assertion criteria provided. Collection method: clinical testing. Allele origin: germline. Not counted in ClinVar's aggregate classification.
Comment: This variant is classified as benign based on ACMG/AMP sequence variant interpretation guidelines (Richards et al. 2015 PMID: 25741868, with internal and published modifications).

NM_033400.3(ZFHX2):c.385T>C (p.Ser129Pro)

Genes: THTPA (thiamine triphosphatase; plus strand), ZFHX2 (zinc finger homeobox 2; minus strand). Cytogenetic location: 14q11.2.
Variant type: single nucleotide variant.
Coding change: c.385T>C on transcript NM_033400.3 (MANE Select); coding-DNA position 385, T replaced by C.
Protein change: p.Ser129Pro; replaces serine 129 with proline.
Molecular consequence: missense variant.
Genome position (GRCh38, 1-based): chr14:23,534,941, A>G on the plus strand (T>C on the coding strand, the complement: ZFHX2 is on the minus strand). VCF-style: chr14-23534941-A-G. GRCh37 (hg19) VCF-style: chr14-24004150-A-G.
Other names: short protein forms S129P.
Identifiers: ClinVar variation 3024850 (VCV003024850.24), dbSNP rs142184428, ClinGen allele CA7117169.